The following is an entry in ClinVar:

ClinVar aggregate classification (germline): Uncertain significance. Review status: criteria provided, multiple submitters, no conflicts (2 of 4 stars). 7 submissions from 6 submitters: Uncertain significance (7). Last evaluated 2025-12-05.

Conditions:
Aortic valve disease 1 (AOVD1). Identifiers: MedGen C3887892, MONDO:0024523, OMIM 109730.
Adams-Oliver syndrome 5 (AOS5). Identifiers: Orphanet 974, MedGen C4014970, MONDO:0014459, OMIM 616028.
Familial thoracic aortic aneurysm and aortic dissection (TAAD). Also called: Thoracic aortic aneurysms and dissections. Identifiers: Orphanet 91387, MedGen C4707243, MONDO:0019625.

Allele frequency attached by ClinVar (database versions not stated): gnomAD 0.00001; gnomAD exomes 0.00001; TOPMed 0.00001.
gnomAD v4.1: 24 of 1,610,766 alleles (0.0015%); highest among the groups gnomAD compares: Non-Finnish European, 0.0018%; no homozygotes.

Submissions (7):

Labcorp Genetics (formerly Invitae), Labcorp
Classification: Uncertain significance for Adams-Oliver syndrome 5. Last evaluated: 2025-12-05. Review status: criteria provided, single submitter. Criteria: Invitae Variant Classification Sherloc (09022015). Collection method: clinical testing. Allele origin: germline.
Comment: This sequence change replaces histidine, which is basic and polar, with arginine, which is basic and polar, at codon 1190 of the NOTCH1 protein (p.His1190Arg). This variant is present in population databases (no rsID available, gnomAD 0.002%). This variant has not been reported in the literature in individuals affected with NOTCH1-related conditions. ClinVar contains an entry for this variant (Variation ID: 575237). Invitae Evidence Modeling of protein sequence and biophysical properties (such as structural, functional, and spatial information, amino acid conservation, physicochemical variation, residue mobility, and thermodynamic stability) indicates that this missense variant is not expected to disrupt NOTCH1 protein function with a negative predictive value of 80%. In summary, the available evidence is currently insufficient to determine the role of this variant in disease. Therefore, it has been classified as a Variant of Uncertain Significance.

GeneDx
Classification: Uncertain significance. Last evaluated: 2025-08-22. Review status: criteria provided, single submitter. Criteria: GeneDx Variant Classification Process June 2021. Collection method: clinical testing. Allele origin: germline. Affected: yes.
Comment: Has not been previously published as pathogenic or benign to our knowledge; Not observed at significant frequency in large population cohorts (gnomAD); In silico analysis suggests that this missense variant does not alter protein structure/function

Ambry Genetics
Classification: Uncertain significance for Familial thoracic aortic aneurysm and aortic dissection. Last evaluated: 2025-02-13. Review status: criteria provided, single submitter. Criteria: Ambry Variant Classification Scheme 2023. Collection method: clinical testing. Allele origin: germline.
Comment: The p.H1190R variant (also known as c.3569A>G), located in coding exon 22 of the NOTCH1 gene, results from an A to G substitution at nucleotide position 3569. The histidine at codon 1190 is replaced by arginine, an amino acid with highly similar properties. This amino acid position is conserved. In addition, this alteration is predicted to be tolerated by in silico analysis. Since supporting evidence is limited at this time, the clinical significance of this alteration remains unclear.

CeGaT Center for Human Genetics Tuebingen
Classification: Uncertain significance. Last evaluated: 2023-11-01. Review status: criteria provided, single submitter. Criteria: CeGaT Center For Human Genetics Tuebingen Variant Classification Criteria Version 2. Collection method: clinical testing. Allele origin: germline. Affected: yes. Observed: 1 variant allele.
Comment: NOTCH1: PM2, BP4

Genome-Nilou Lab
Classification: Uncertain significance for Adams-Oliver syndrome 5. Last evaluated: 2022-03-15. Review status: criteria provided, single submitter. Criteria: ACMG Guidelines, 2015. Collection method: clinical testing. Allele origin: germline. Affected: no.

Genome-Nilou Lab
Classification: Uncertain significance for Aortic valve disease 1. Last evaluated: 2022-03-15. Review status: criteria provided, single submitter. Criteria: ACMG Guidelines, 2015. Collection method: clinical testing. Allele origin: germline. Affected: no.

Fulgent Genetics
Classification: Uncertain significance for Aortic valve disease 1; Adams-Oliver syndrome 5. Last evaluated: 2021-08-24. Review status: criteria provided, single submitter. Criteria: ACMG Guidelines, 2015. Collection method: clinical testing. Allele origin: unknown.

NM_017617.5(NOTCH1):c.3569A>G (p.His1190Arg)

Gene: NOTCH1 (notch receptor 1; minus strand). Cytogenetic location: 9q34.3.
Variant type: single nucleotide variant.
Coding change: c.3569A>G on transcript NM_017617.5 (MANE Select); coding-DNA position 3569, A replaced by G.
Protein change: p.His1190Arg; replaces histidine 1190 with arginine.
Molecular consequence: missense variant.
Genome position (GRCh38, 1-based): chr9:136,507,379, T>C on the plus strand (A>G on the coding strand, the complement: NOTCH1 is on the minus strand). VCF-style: chr9-136507379-T-C. GRCh37 (hg19) VCF-style: chr9-139401831-T-C.
Other names: c.3569A>G, p.His1190Arg (LRG_1122t1); short protein forms H1190R.
Identifiers: ClinVar variation 575237 (VCV000575237.42), dbSNP rs775438678, ClinGen allele CA375549896.